The following is an entry in ClinVar:

ClinVar aggregate classification (germline): Likely benign (1 of 4 stars; one submission).

Submission:

CeGaT Center for Human Genetics Tuebingen
Classification: Likely benign. Last evaluated: 2025-02-01. Review status: criteria provided, single submitter. Criteria: CeGaT Center For Human Genetics Tuebingen Variant Classification Criteria Version 2. Collection method: clinical testing. Allele origin: germline. Affected: yes. Observed: 1 variant allele.
Comment: ADPRHL1: BP4, BP7

NM_001394807.1(ADPRHL1):c.5142A>G (p.Glu1714=)

Gene: ADPRHL1 (ADP-ribosylhydrolase like 1; minus strand). Cytogenetic location: 13q34.
Variant type: single nucleotide variant.
Coding change: c.5142A>G on transcript NM_001394807.1 (MANE Select); coding-DNA position 5142, A replaced by G.
Protein change: p.Glu1714=; no amino-acid change (glutamic acid 1714 retained).
Molecular consequence: synonymous variant.
Genome position (GRCh38, 1-based): chr13:113,404,140, T>C on the plus strand (A>G on the coding strand, the complement: ADPRHL1 is on the minus strand). VCF-style: chr13-113404140-T-C. GRCh37 (hg19) VCF-style: chr13-114058455-T-C.
Other names: c.4050A>G, p.Glu1350= (NM_001304433.1, NM_001375393.1).
Identifiers: ClinVar variation 3771300 (VCV003771300.13).